The following is an entry in ClinVar:

ClinVar aggregate classification (germline): Uncertain significance (1 of 4 stars; one submission).

Conditions:
Epidermolysis bullosa simplex 5B, with muscular dystrophy (EBS5B). Also called: EPIDERMOLYSIS BULLOSA SIMPLEX AND LIMB-GIRDLE MUSCULAR DYSTROPHY; Epidermolysis bullosa simplex with muscular dystrophy. Identifiers: Orphanet 257, MedGen C2931072, MONDO:0009181, OMIM 226670.
Epidermolysis bullosa simplex, Ogna type (EBS5A). Also called: Pidermolysis bullosa simplex 5A, Ogna type; EPIDERMOLYSIS BULLOSA SIMPLEX 5A, OGNA TYPE. Identifiers: Orphanet 79401, MedGen C0432317, MONDO:0007555, OMIM 131950.
Epidermolysis bullosa simplex with nail dystrophy (EBS5D). Identifiers: MedGen C4225309, MONDO:0014661, OMIM 616487.
Epidermolysis bullosa simplex 5C, with pyloric atresia (EBS5C). Also called: PLEC1-Related Epidermolysis Bullosa with Pyloric Atresia; Epidermolysis bullosa simplex with pyloric atresia; PLEC-Related Epidermolysis Bullosa with Pyloric Atresia. Identifiers: Orphanet 158684, MedGen C2677349, MONDO:0012807, OMIM 612138.
Autosomal recessive limb-girdle muscular dystrophy type 2Q (LGMDR17). Also called: MUSCULAR DYSTROPHY, LIMB-GIRDLE, AUTOSOMAL RECESSIVE 17. Identifiers: Orphanet 254361, MedGen C3150989, MONDO:0013390, OMIM 613723.

Allele frequency attached by ClinVar (database versions not stated): ExAC 0.00001; gnomAD 0.00001; gnomAD exomes 0.00001 and 0.00002; TOPMed 0.00002.
gnomAD v4.1: 10 of 1,612,434 alleles (0.00062%); highest among the groups gnomAD compares: South Asian, 0.0033%; no homozygotes.

Submission:

Labcorp Genetics (formerly Invitae), Labcorp
Classification: Uncertain significance for Autosomal recessive limb-girdle muscular dystrophy type 2Q; Epidermolysis bullosa simplex, Ogna type; Epidermolysis bullosa simplex with nail dystrophy; Epidermolysis bullosa simplex 5C, with pyloric atresia; Epidermolysis bullosa simplex 5B, with muscular dystrophy. Last evaluated: 2025-03-10. Review status: criteria provided, single submitter. Criteria: Invitae Variant Classification Sherloc (09022015). Collection method: clinical testing. Allele origin: germline.
Comment: This sequence change replaces glutamic acid, which is acidic and polar, with lysine, which is basic and polar, at codon 593 of the PLEC protein (p.Glu593Lys). This variant is present in population databases (rs782631888, gnomAD 0.007%). This variant has not been reported in the literature in individuals affected with PLEC-related conditions. ClinVar contains an entry for this variant (Variation ID: 1427403). Invitae Evidence Modeling of protein sequence and biophysical properties (such as structural, functional, and spatial information, amino acid conservation, physicochemical variation, residue mobility, and thermodynamic stability) indicates that this missense variant is not expected to disrupt PLEC protein function with a negative predictive value of 80%. In summary, the available evidence is currently insufficient to determine the role of this variant in disease. Therefore, it has been classified as a Variant of Uncertain Significance.

NM_201384.3(PLEC):c.1696G>A (p.Glu566Lys)

Gene: PLEC (plectin; minus strand). Cytogenetic location: 8q24.3.
Variant type: single nucleotide variant.
Coding change: c.1696G>A on transcript NM_201384.3 (MANE Select); coding-DNA position 1696, G replaced by A.
Protein change: p.Glu566Lys; replaces glutamic acid 566 with lysine.
Molecular consequence: missense variant.
Genome position (GRCh38, 1-based): chr8:143,932,834, C>T on the plus strand (G>A on the coding strand, the complement: PLEC is on the minus strand). VCF-style: chr8-143932834-C-T. GRCh37 (hg19) VCF-style: chr8-145007002-C-T.
Other names: c.1777G>A, p.Glu593Lys (NM_000445.5); c.1654G>A, p.Glu552Lys (NM_201378.4); c.1630G>A, p.Glu544Lys (NM_201379.3); c.2107G>A, p.Glu703Lys (NM_201380.4); c.1600G>A, p.Glu534Lys (NM_201381.3); c.1696G>A, p.Glu566Lys (NM_201382.4); c.1708G>A, p.Glu570Lys (NM_201383.3); short protein forms E552K, E703K, E534K, E566K, E570K, E544K, E593K.
Identifiers: ClinVar variation 1427403 (VCV001427403.6), dbSNP rs782631888, ClinGen allele CA4927896.